The following is an entry in ClinVar:

ClinVar aggregate classification (germline): Uncertain significance (1 of 4 stars; one submission).

Submission:

Labcorp Genetics (formerly Invitae), Labcorp
Classification: Uncertain significance. Last evaluated: 2024-09-21. Review status: criteria provided, single submitter. Criteria: Invitae Variant Classification Sherloc (09022015). Collection method: clinical testing. Allele origin: germline.
Comment: This sequence change replaces arginine, which is basic and polar, with leucine, which is neutral and non-polar, at codon 627 of the SETBP1 protein (p.Arg627Leu). This variant is not present in population databases (gnomAD no frequency). This variant has not been reported in the literature in individuals affected with SETBP1-related conditions. Invitae Evidence Modeling of protein sequence and biophysical properties (such as structural, functional, and spatial information, amino acid conservation, physicochemical variation, residue mobility, and thermodynamic stability) indicates that this missense variant is not expected to disrupt SETBP1 protein function with a negative predictive value of 80%. In summary, the available evidence is currently insufficient to determine the role of this variant in disease. Therefore, it has been classified as a Variant of Uncertain Significance.

NM_015559.3(SETBP1):c.1880G>T (p.Arg627Leu)

Gene: SETBP1 (SET binding protein 1; plus strand). Cytogenetic location: 18q12.3.
Variant type: single nucleotide variant.
Coding change: c.1880G>T on transcript NM_015559.3 (MANE Select); coding-DNA position 1880, G replaced by T.
Protein change: p.Arg627Leu; replaces arginine 627 with leucine.
Molecular consequence: missense variant.
Genome position (GRCh38, 1-based): chr18:44,951,220, G>T. VCF-style: chr18-44951220-G-T. GRCh37 (hg19) VCF-style: chr18-42531185-G-T.
Other names: c.1880G>T, p.Arg627Leu (NM_001379141.1, NM_001379142.1, NM_001410862.1); short protein forms R627L.
Identifiers: ClinVar variation 3721821 (VCV003721821.2).